The following is an entry in ClinVar:

NM_174936.4(PCSK9):c.1044G>A (p.Leu348=)

Gene: PCSK9 (proprotein convertase subtilisin/kexin type 9; plus strand). Cytogenetic location: 1p32.3.
Variant type: single nucleotide variant.
Coding change: c.1044G>A on transcript NM_174936.4 (MANE Select); coding-DNA position 1044, G replaced by A.
Protein change: p.Leu348=; no amino-acid change (leucine 348 retained).
Molecular consequence: synonymous variant. On other transcripts: non-coding transcript variant (7).
Genome position (GRCh38, 1-based): chr1:55,057,378, G>A. VCF-style: chr1-55057378-G-A. GRCh37 (hg19) VCF-style: chr1-55523051-G-A.
Other names: c.1167G>A, p.Leu389= (NM_001407240.1); c.1044G>A, p.Leu348= (NM_001407241.1, NM_001407244.1, NM_001407247.1); c.1047G>A, p.Leu349= (NM_001407242.1); c.987G>A, p.Leu329= (NM_001407243.1); c.852G>A, p.Leu284= (NM_001407245.1); c.669G>A, p.Leu223= (NM_001407246.1).
Identifiers: ClinVar variation 925258 (VCV000925258.4), dbSNP rs1423534032, ClinGen allele CA417960020.

ClinVar aggregate classification (germline): Likely benign. Review status: criteria provided, multiple submitters, no conflicts (2 of 4 stars). 2 submissions from 2 submitters: Likely benign (2). Last evaluated 2025-01-10.

Conditions:
Familial hypercholesterolemia. Also called: Familial hypercholesterolaemia. Identifiers: MedGen C0020445, MONDO:0005439.

Allele frequency attached by ClinVar (database versions not stated): gnomAD 0.00001; gnomAD exomes 0.00001; TOPMed 0.00001.
gnomAD v4.1: 4 of 1,611,380 alleles (0.00025%); highest among the groups gnomAD compares: African/African-American, 0.0013%; no homozygotes.

Submissions (2):

GENinCode PLC
Classification: Likely benign for Familial hypercholesterolemia. Last evaluated: 2025-01-10. Review status: criteria provided, single submitter. Criteria: ACMG Guidelines, 2015. Collection method: clinical testing. Allele origin: germline.
Comment: This is a synonymous (silent) variant that is not predicted to impact splicing and occurs at a nucleotide which is not highly conserved. This variant has been classified as Likely Benign (BP4, BP7).

Color Diagnostics, LLC DBA Color Health
Classification: Likely benign for Familial hypercholesterolemia. Last evaluated: 2019-11-24. Review status: criteria provided, single submitter. Criteria: ACMG Guidelines, 2015. Collection method: clinical testing. Allele origin: germline.